The following is an entry in ClinVar:

NM_001277115.2(DNAH11):c.977A>T (p.Glu326Val)

Gene: DNAH11 (dynein axonemal heavy chain 11; plus strand). Cytogenetic location: 7p15.3.
Variant type: single nucleotide variant.
Coding change: c.977A>T on transcript NM_001277115.2 (MANE Select); coding-DNA position 977, A replaced by T.
Protein change: p.Glu326Val; replaces glutamic acid 326 with valine.
Molecular consequence: missense variant.
Genome position (GRCh38, 1-based): chr7:21,561,165, A>T. VCF-style: chr7-21561165-A-T. GRCh37 (hg19) VCF-style: chr7-21600783-A-T.
Other names: c.977A>T, p.Glu326Val (NM_003777.3); short protein forms E326V.
Identifiers: ClinVar variation 3221497 (VCV003221497.1), dbSNP rs2534483545, ClinGen allele CA366932268.

ClinVar aggregate classification (germline): Uncertain significance (1 of 4 stars; one submission).

Conditions:
Primary ciliary dyskinesia. Also called: Ciliary dyskinesia. Identifiers: Orphanet 244, MedGen C0008780, MONDO:0016575, HP:0012265.

gnomAD v4.1: 10 of 1,587,324 alleles (0.00063%); highest among the groups gnomAD compares: Non-Finnish European, 0.00086%; no homozygotes.

Submission:

Ambry Genetics
Classification: Uncertain significance for Primary ciliary dyskinesia. Last evaluated: 2023-11-25. Review status: criteria provided, single submitter. Criteria: Ambry Variant Classification Scheme 2023. Collection method: clinical testing. Allele origin: germline.
Comment: The p.E326V variant (also known as c.977A>T), located in coding exon 5 of the DNAH11 gene, results from an A to T substitution at nucleotide position 977. The glutamic acid at codon 326 is replaced by valine, an amino acid with dissimilar properties. This amino acid position is conserved. In addition, this alteration is predicted to be tolerated by in silico analysis. Since supporting evidence is limited at this time, the clinical significance of this alteration remains unclear.